The following is an entry in ClinVar:

NM_020163.3(SEMA3G):c.79G>A (p.Gly27Ser)

Gene: SEMA3G (semaphorin 3G; minus strand). Cytogenetic location: 3p21.1.
Variant type: single nucleotide variant.
Coding change: c.79G>A on transcript NM_020163.3 (MANE Select); coding-DNA position 79, G replaced by A.
Protein change: p.Gly27Ser; replaces glycine 27 with serine.
Molecular consequence: missense variant.
Genome position (GRCh38, 1-based): chr3:52,444,949, C>T on the plus strand (G>A on the coding strand, the complement: SEMA3G is on the minus strand). VCF-style: chr3-52444949-C-T. GRCh37 (hg19) VCF-style: chr3-52478965-C-T.
Other names: c.79G>A (NM_020163.2); short protein forms G27S.
Identifiers: ClinVar variation 3794058 (VCV003794058.2).

ClinVar aggregate classification (germline): Conflicting classifications of pathogenicity. Review status: criteria provided, conflicting classifications (1 of 4 stars). 2 submissions from 2 submitters: Uncertain significance (1); Likely benign (1). Last evaluated 2025-06-13.

Conditions:
SEMA3G-related disorder. Also called: SEMA3G-related condition.

gnomAD v4.1: 22 of 1,301,862 alleles (0.0017%); highest among the groups gnomAD compares: Middle Eastern, 0.029%; no homozygotes.

Submissions (2):

PreventionGenetics, part of Exact Sciences
Classification: Uncertain significance for SEMA3G-related condition. Last evaluated: 2025-06-13. Review status: criteria provided, single submitter. Criteria: ACMG Guidelines, 2015. Collection method: clinical testing. Allele origin: germline.
Comment: The SEMA3G c.79G>A variant is predicted to result in the amino acid substitution p.Gly27Ser. To our knowledge, this variant has not been reported in the literature. This variant is reported in 0.013% of alleles in individuals of European (non-Finnish) descent in gnomAD. Serine is found at this position in the protein in several vertebrates suggesting that this change might be tolerated. At this time, the clinical significance of this variant is uncertain due to the absence of conclusive functional and genetic evidence.

Ambry Genetics
Classification: Likely benign. Last evaluated: 2024-12-22. Review status: criteria provided, single submitter. Criteria: Ambry Variant Classification Scheme 2023. Collection method: clinical testing. Allele origin: germline.